The following is an entry in ClinVar:

ClinVar aggregate classification (germline): Pathogenic. Review status: criteria provided, multiple submitters, no conflicts (2 of 4 stars). 4 submissions from 4 submitters: Pathogenic (4). Last evaluated 2025-09-10.

Conditions:
Diamond-Blackfan anemia 1 (DBA1). Also called: RPS19-Related Diamond-Blackfan Anemia; BLACKFAN-DIAMOND SYNDROME; ANEMIA, CONGENITAL HYPOPLASTIC, OF BLACKFAN AND DIAMOND; ANEMIA, CONGENITAL ERYTHROID HYPOPLASTIC; RED CELL APLASIA, PURE, HEREDITARY; AREGENERATIVE ANEMIA, CHRONIC CONGENITAL. Identifiers: Orphanet 124, MedGen C2676137, MONDO:0007110, OMIM 105650.
Diamond-Blackfan anemia. Also called: Blackfan Diamond syndrome; Aregenerative anemia chronic congenital; Red cell aplasia, pure hereditary; Congenital hypoplastic anemia; Aase syndrome. Identifiers: Orphanet 124, MedGen C1260899, MeSH D029503, MONDO:0015253, HP:0004810.

Submissions (4):

Genomic Medicine Center of Excellence, King Faisal Specialist Hospital and Research Centre
Classification: Pathogenic for Diamond-Blackfan anemia 1. Last evaluated: 2025-09-10. Review status: criteria provided, single submitter. Criteria: ACMG Guidelines, 2015. Collection method: clinical testing. Allele origin: germline.

Genetic Services Laboratory, University of Chicago
Classification: Pathogenic. Last evaluated: 2024-11-06. Review status: criteria provided, single submitter. Criteria: ACMG Guidelines, 2015. Collection method: clinical testing. Allele origin: germline. Affected: yes.
Comment: DNA sequence analysis of the RPS19 gene demonstrated a sequence change, c.94G>T, which results in the creation of a premature stop codon at amino acid position 32, p.Glu32*. This sequence change is predicted to result in an abnormal transcript, which may be degraded, or may lead to the production of a truncated RPS19 protein with potentially abnormal function. This sequence change has not been described in population databases such as ExAC and gnomAD. This sequence change has previously been described in an individual with Diamond Blackfan anemia (PMID: 27329125). Loss-of-function variants in RPS19 have been described to be pathogenic (PMID: 20960466, 10590074, 30503522. These collective evidences indicate that this sequence change is pathogenic, however functional studies have not been performed to prove this conclusively.

GeneDx
Classification: Pathogenic. Last evaluated: 2024-10-06. Review status: criteria provided, single submitter. Criteria: GeneDx Variant Classification Process June 2021. Collection method: clinical testing. Allele origin: germline. Affected: yes.
Comment: Nonsense variant predicted to result in protein truncation or nonsense mediated decay in a gene for which loss of function is a known mechanism of disease; Not observed at significant frequency in large population cohorts (gnomAD); This variant is associated with the following publications: (PMID: 27329125)

Labcorp Genetics (formerly Invitae), Labcorp
Classification: Pathogenic for Diamond-Blackfan anemia. Last evaluated: 2023-11-21. Review status: criteria provided, single submitter. Criteria: Invitae Variant Classification Sherloc (09022015). Collection method: clinical testing. Allele origin: germline.
Comment: This sequence change creates a premature translational stop signal (p.Glu32*) in the RPS19 gene. It is expected to result in an absent or disrupted protein product. Loss-of-function variants in RPS19 are known to be pathogenic (PMID: 20960466). This variant is not present in population databases (gnomAD no frequency). This premature translational stop signal has been observed in individual(s) with Diamond‑Blackfan anemia (PMID: 27329125). This variant is also known as p.32E>X. ClinVar contains an entry for this variant (Variation ID: 2138299). For these reasons, this variant has been classified as Pathogenic.

Literature cited by the submitters: PubMed 20960466 (cited by Labcorp Genetics (formerly Invitae), Labcorp); PubMed 27329125 (cited by Labcorp Genetics (formerly Invitae), Labcorp).

NM_001022.4(RPS19):c.94G>T (p.Glu32Ter)

Genes: RPS19 (ribosomal protein S19; plus strand), RPS19-CD79A (RPS19-CD79A readthrough; plus strand). Cytogenetic location: 19q13.2.
Variant type: single nucleotide variant.
Coding change: c.94G>T on transcript NM_001022.4 (MANE Select); coding-DNA position 94, G replaced by T.
Protein change: p.Glu32Ter; replaces glutamic acid 32 with a stop codon.
Molecular consequence: nonsense.
Genome position (GRCh38, 1-based): chr19:41,861,134, G>T. VCF-style: chr19-41861134-G-T. GRCh37 (hg19) VCF-style: chr19-42365203-G-T.
Other names: c.94G>T (NM_001022.3); c.94G>T, p.Glu32Ter (NM_001321483.2, NM_001321484.2, NM_001321485.2); short protein forms E32*.
Identifiers: ClinVar variation 2138299 (VCV002138299.9), dbSNP rs2513667169, ClinGen allele CA406046674.